The following is an entry in ClinVar:

ClinVar aggregate classification (germline): Uncertain significance (1 of 4 stars; one submission).

Conditions:
Inborn genetic diseases. Identifiers: MedGen C0950123, MeSH D030342.

gnomAD v4.1: 1 of 1,609,196 alleles (0.000062%); highest among the groups gnomAD compares: South Asian, 0.0011%; no homozygotes.

Submission:

Ambry Genetics
Classification: Uncertain significance for Inborn genetic diseases. Last evaluated: 2025-05-17. Review status: criteria provided, single submitter. Criteria: Ambry Variant Classification Scheme 2023. Collection method: clinical testing. Allele origin: germline.
Comment: The p.V229A variant (also known as c.686T>C), located in coding exon 4 of the KDM1A gene, results from a T to C substitution at nucleotide position 686. The valine at codon 229 is replaced by alanine, an amino acid with similar properties. This amino acid position is conserved. In addition, the in silico prediction for this alteration is inconclusive. Based on the available evidence, the clinical significance of this variant remains unclear.

NM_001009999.3(KDM1A):c.686T>C (p.Val229Ala)

Gene: KDM1A (lysine demethylase 1A; plus strand). Cytogenetic location: 1p36.12.
Variant type: single nucleotide variant.
Coding change: c.686T>C on transcript NM_001009999.3 (MANE Select); coding-DNA position 686, T replaced by C.
Protein change: p.Val229Ala; replaces valine 229 with alanine.
Molecular consequence: missense variant.
Genome position (GRCh38, 1-based): chr1:23,050,495, T>C. VCF-style: chr1-23050495-T-C. GRCh37 (hg19) VCF-style: chr1-23376988-T-C.
Other names: c.626T>C, p.Val209Ala (NM_001363654.2, NM_001410763.1, NM_015013.4); c.686T>C, p.Val229Ala (NM_001410762.1); short protein forms V209A, V229A.
Identifiers: ClinVar variation 4042140 (VCV004042140.1).